The following is an entry in ClinVar:

NM_017841.4(SDHAF2):c.212T>C (p.Leu71Pro)

Gene: SDHAF2 (succinate dehydrogenase complex assembly factor 2; plus strand). Cytogenetic location: 11q12.2.
Variant type: single nucleotide variant.
Coding change: c.212T>C on transcript NM_017841.4 (MANE Select); coding-DNA position 212, T replaced by C.
Protein change: p.Leu71Pro; replaces leucine 71 with proline.
Molecular consequence: missense variant.
Genome position (GRCh38, 1-based): chr11:61,437,800, T>C. VCF-style: chr11-61437800-T-C. GRCh37 (hg19) VCF-style: chr11-61205272-T-C.
Other names: short protein forms L71P.
Identifiers: ClinVar variation 1786379 (VCV001786379.6), dbSNP rs1439839466, ClinGen allele CA380683663.
Genomic context (GRCh38, chr11:61,437,800, plus strand): 5'-CTTTGCCTCCATGGCAGGAGAGAACTGATGAATCCATAGAAACCAAAAGAGCCCGCCTGC[T>C]CTATGAGAGCAGAAAGAGGGGAATGTTGGAAAACTGCATTCTTCTTAGGTATGGGACTAG-3'
Protein context (NP_060311.1, residues 61-81): ESIETKRARL[Leu71Pro]YESRKRGMLE

ClinVar aggregate classification (germline): Uncertain significance. Review status: criteria provided, multiple submitters, no conflicts (2 of 4 stars). 2 submissions from 2 submitters: Uncertain significance (2). Last evaluated 2026-02-02.

Conditions:
Hereditary pheochromocytoma and paraganglioma. Also called: Hereditary paragangliomas and pheochromocytomas; Hereditary Paraganglioma-Pheochromocytoma Syndromes; Hereditary pheochromocytoma-paraganglioma. Identifiers: Orphanet 29072, MedGen C4274332, MONDO:0017366.
Hereditary cancer-predisposing syndrome. Also called: Tumor predisposition; Hereditary Cancer Syndrome; Hereditary neoplastic syndrome; Neoplastic Syndromes, Hereditary. Identifiers: Orphanet 140162, MedGen C0027672, MeSH D009386, MONDO:0015356.

Submissions (2):

Labcorp Genetics (formerly Invitae), Labcorp
Classification: Uncertain significance for Hereditary pheochromocytoma and paraganglioma. Last evaluated: 2026-02-02. Review status: criteria provided, single submitter. Criteria: Invitae Variant Classification Sherloc (09022015). Collection method: clinical testing. Allele origin: germline.
Comment: This sequence change replaces leucine, which is neutral and non-polar, with proline, which is neutral and non-polar, at codon 71 of the SDHAF2 protein (p.Leu71Pro). This variant is present in population databases (no rsID available, gnomAD 0.0009%). This variant has not been reported in the literature in individuals affected with SDHAF2-related conditions. ClinVar contains an entry for this variant (Variation ID: 1786379). An algorithm developed to predict the effect of missense changes on protein structure and function (PolyPhen-2) suggests that this variant is likely to be disruptive. In summary, the available evidence is currently insufficient to determine the role of this variant in disease. Therefore, it has been classified as a Variant of Uncertain Significance.

Ambry Genetics
Classification: Uncertain significance for Hereditary cancer-predisposing syndrome. Last evaluated: 2023-06-07. Review status: criteria provided, single submitter. Criteria: Ambry Variant Classification Scheme 2023. Collection method: clinical testing. Allele origin: germline.
Comment: The p.L71P variant (also known as c.212T>C), located in coding exon 2 of the SDHAF2 gene, results from a T to C substitution at nucleotide position 212. The leucine at codon 71 is replaced by proline, an amino acid with similar properties. This amino acid position is highly conserved in available vertebrate species. In addition, this alteration is predicted to be deleterious by in silico analysis. Since supporting evidence is limited at this time, the clinical significance of this alteration remains unclear.